The following is an entry in ClinVar:

NM_015690.5(STK36):c.3337C>T (p.Pro1113Ser)

Gene: STK36 (serine/threonine kinase 36; plus strand). Cytogenetic location: 2q35.
Variant type: single nucleotide variant.
Coding change: c.3337C>T on transcript NM_015690.5 (MANE Select); coding-DNA position 3337, C replaced by T.
Protein change: p.Pro1113Ser; replaces proline 1113 with serine.
Molecular consequence: missense variant.
Genome position (GRCh38, 1-based): chr2:218,698,881, C>T. VCF-style: chr2-218698881-C-T. GRCh37 (hg19) VCF-style: chr2-219563604-C-T.
Other names: c.3274C>T, p.Pro1092Ser (NM_001243313.2); c.3337C>T, p.Pro1113Ser (NM_001369423.1); short protein forms P1092S, P1113S.
Identifiers: ClinVar variation 3058942 (VCV003058942.2), dbSNP rs367557350, ClinGen allele CA2111381.

ClinVar aggregate classification (germline): Uncertain significance (0 of 4 stars; one submission).

Conditions:
STK36-related disorder. Also called: STK36-related condition.

Allele frequency attached by ClinVar (database versions not stated): ExAC 0.00001; TOPMed 0.00001; gnomAD 0.00002; gnomAD exomes 0.00002; ESP Exome Variant Server 0.00008.
gnomAD v4.1: 31 of 1,614,100 alleles (0.0019%); highest among the groups gnomAD compares: Non-Finnish European, 0.0024%; no homozygotes.

Submission:

PreventionGenetics, part of Exact Sciences
Classification: Uncertain significance for STK36-related condition. Last evaluated: 2023-12-15. Review status: no assertion criteria provided. Collection method: clinical testing. Allele origin: germline.
Comment: The STK36 c.3337C>T variant is predicted to result in the amino acid substitution p.Pro1113Ser. To our knowledge, this variant has not been reported in the literature. This variant is reported in 0.0062% of alleles in individuals of African descent in gnomAD. At this time, the clinical significance of this variant is uncertain due to the absence of conclusive functional and genetic evidence.